The following is an entry in ClinVar:

NM_014363.6(SACS):c.470_471del (p.Tyr157fs)

Gene: SACS (sacsin molecular chaperone; minus strand). Cytogenetic location: 13q12.12.
Variant type: Deletion.
Coding change: c.470_471del on transcript NM_014363.6 (MANE Select); coding-DNA positions 470 to 471, 2 bases deleted (AT; older notation c.470_471delAT).
Protein change: p.Tyr157fs; shifts the reading frame from tyrosine 157.
Molecular consequence: frameshift variant.
Genome position (GRCh38, 1-based): chr13:23,358,468-23,358,469, AT deleted on the plus strand (AT on the coding strand, the reverse complement: SACS is on the minus strand); deleting any 2 consecutive bases within chr13:23,358,468-23,358,470 gives the same sequence; the c. name uses the placement nearest the transcript's 3' end. VCF-style (leftmost placement, unchanged base first): chr13-23358467-CAT-C. GRCh37 (hg19) VCF-style: chr13-23932606-CAT-C.
Other names: c.29_30del, p.Tyr10fs (NM_001278055.2); short protein forms Y10fs, Y157fs.
Identifiers: ClinVar variation 1367088 (VCV001367088.10), dbSNP rs1444216187, ClinGen allele CA2573130290.

ClinVar aggregate classification (germline): Pathogenic/Likely pathogenic. Review status: criteria provided, multiple submitters, no conflicts (2 of 4 stars). 3 submissions from 3 submitters: Pathogenic (2); Likely pathogenic (1). Last evaluated 2025-12-28.

Conditions:
Charlevoix-Saguenay spastic ataxia (SACS). Also called: AUTOSOMAL RECESSIVE SPASTIC ATAXIA OF CHARLEVOIX-SAGUENAY; SPASTIC ATAXIA 6, AUTOSOMAL RECESSIVE; Spastic ataxia of Charlevoix-Saguenay. Identifiers: Orphanet 98, MedGen C1849140, MONDO:0010041, OMIM 270550.
Spastic paraplegia. Identifiers: MedGen C0037772, HP:0001258.

Submissions (3):

Labcorp Genetics (formerly Invitae), Labcorp
Classification: Pathogenic for Spastic paraplegia. Last evaluated: 2025-12-28. Review status: criteria provided, single submitter. Criteria: Invitae Variant Classification Sherloc (09022015). Collection method: clinical testing. Allele origin: germline.
Comment: This sequence change creates a premature translational stop signal (p.Tyr157Cysfs*26) in the SACS gene. It is expected to result in an absent or disrupted protein product. Loss-of-function variants in SACS are known to be pathogenic (PMID: 18465152, 20876471). This variant is not present in population databases (gnomAD no frequency). This variant has not been reported in the literature in individuals affected with SACS-related conditions. ClinVar contains an entry for this variant (Variation ID: 1367088). For these reasons, this variant has been classified as Pathogenic.

Baylor Genetics
Classification: Likely pathogenic for Charlevoix-Saguenay spastic ataxia. Last evaluated: 2023-09-18. Review status: criteria provided, single submitter. Criteria: ACMG Guidelines, 2015. Collection method: clinical testing. Allele origin: unknown.

Victorian Clinical Genetics Services, Murdoch Childrens Research Institute
Classification: Pathogenic for Charlevoix-Saguenay spastic ataxia. Last evaluated: 2022-06-24. Review status: criteria provided, single submitter. Criteria: ACMG Guidelines, 2015. Collection method: clinical testing. Allele origin: germline. Inheritance: Autosomal recessive inheritance. Affected: yes.
Comment: Based on the classification scheme VCGS_Germline_v1.3.4, this variant is classified as Pathogenic. Following criteria are met: 0102 - Loss of function is a known mechanism of disease in this gene and is associated with Spastic ataxia, Charlevoix-Saguenay type (MIM#270550). (I) 0106 - This gene is associated with autosomal recessive disease. (I) 0201 - Variant is predicted to cause nonsense-mediated decay (NMD) and loss of protein (premature termination codon is located at least 54 nucleotides upstream of the final exon-exon junction). (SP) 0253 - This variant is hemizygous. A large deletion involving the SACS gene was detected on chromosome microarray. (I) 0301 - Variant is absent from gnomAD (both v2 and v3). (SP) 0701 - Other NMD-predicted variants comparable to the one identified in this case have very strong previous evidence for pathogenicity (ClinVar). (SP) 0803 - This variant has limited previous evidence of pathogenicity in an individual. This variant is reported as pathogenic in an individual with spastic paraplegia (ClinVar). (SP) 0905 - No published segregation evidence has been identified for this variant. (I) 1007 - No published functional evidence has been identified for this variant. (I) 1101 - Very strong and specific phenotype match for this individual. (SP) 1208 - Inheritance information for this variant is not currently available in this individual. (I) Legend: (SP) - Supporting pathogenic, (I) - Information, (SB) - Supporting benign

Literature cited by the submitters: PubMed 18465152 (cited by Labcorp Genetics (formerly Invitae), Labcorp); PubMed 20876471 (cited by Labcorp Genetics (formerly Invitae), Labcorp).